The following is an entry in ClinVar:

ClinVar aggregate classification (germline): Pathogenic (1 of 4 stars; one submission).

Submission:

Labcorp Genetics (formerly Invitae), Labcorp
Classification: Pathogenic. Last evaluated: 2023-10-22. Review status: criteria provided, single submitter. Criteria: Invitae Variant Classification Sherloc (09022015). Collection method: clinical testing. Allele origin: germline.
Comment: This sequence change creates a premature translational stop signal (p.Glu224*) in the GNPTG gene. It is expected to result in an absent or disrupted protein product. Loss-of-function variants in GNPTG are known to be pathogenic (PMID: 19370764, 20301784). This variant is not present in population databases (gnomAD no frequency). This variant has not been reported in the literature in individuals affected with GNPTG-related conditions. Algorithms developed to predict the effect of sequence changes on RNA splicing suggest that this variant may disrupt the consensus splice site. For these reasons, this variant has been classified as Pathogenic.

Literature cited by the submitters: PubMed 19370764; PubMed 20301784.

NM_032520.5(GNPTG):c.670G>T (p.Glu224Ter)

Gene: GNPTG (N-acetylglucosamine-1-phosphate transferase subunit gamma; plus strand). Cytogenetic location: 16p13.3.
Variant type: single nucleotide variant.
Coding change: c.670G>T on transcript NM_032520.5 (MANE Select); coding-DNA position 670, G replaced by T.
Protein change: p.Glu224Ter; replaces glutamic acid 224 with a stop codon.
Molecular consequence: nonsense.
Genome position (GRCh38, 1-based): chr16:1,362,671, G>T. VCF-style: chr16-1362671-G-T. GRCh37 (hg19) VCF-style: chr16-1412672-G-T.
Other names: short protein forms E224*.
Identifiers: ClinVar variation 2770466 (VCV002770466.3), dbSNP rs756093689, ClinGen allele CA394188501.
Genomic context (GRCh38, chr16:1,362,671, plus strand): 5'-GGCCATGAGAAGTTGCTGAGGACACTTTTTGAGGATGCTGGCTACTTAAAGACCCCAGAA[G>T]AAAATGAACCCACCCAGCTGGAGGGAGGTCCTGACAGCTTGGGGTTTGAGACCCTGGAAA-3'